The following is an entry in ClinVar:

ClinVar aggregate classification (germline): Uncertain significance (1 of 4 stars; one submission).

Conditions:
Catecholaminergic polymorphic ventricular tachycardia 1. Also called: RYR2-Related Catecholaminergic Polymorphic Ventricular Tachycardia; VENTRICULAR TACHYCARDIA, STRESS-INDUCED POLYMORPHIC 1; VENTRICULAR TACHYCARDIA, CATECHOLAMINERGIC POLYMORPHIC, 1, WITH OR WITHOUT ATRIAL DYSFUNCTION AND/OR DILATED CARDIOMYOPATHY. Identifiers: Orphanet 3286, MedGen C1631597, MONDO:0011484, OMIM 604772.

Submission:

Labcorp Genetics (formerly Invitae), Labcorp
Classification: Uncertain significance for Catecholaminergic polymorphic ventricular tachycardia 1. Last evaluated: 2025-12-08. Review status: criteria provided, single submitter. Criteria: Invitae Variant Classification Sherloc (09022015). Collection method: clinical testing. Allele origin: germline.
Comment: This sequence change replaces leucine, which is neutral and non-polar, with methionine, which is neutral and non-polar, at codon 72 of the CASQ2 protein (p.Leu72Met). This variant is not present in population databases (gnomAD no frequency). This variant has not been reported in the literature in individuals affected with CASQ2-related conditions. Invitae Evidence Modeling of protein sequence and biophysical properties (such as structural, functional, and spatial information, amino acid conservation, physicochemical variation, residue mobility, and thermodynamic stability) indicates that this missense variant is not expected to disrupt CASQ2 protein function with a negative predictive value of 80%. In summary, the available evidence is currently insufficient to determine the role of this variant in disease. Therefore, it has been classified as a Variant of Uncertain Significance.

NM_001232.4(CASQ2):c.214C>A (p.Leu72Met)

Gene: CASQ2 (calsequestrin 2; minus strand). Cytogenetic location: 1p13.1.
Variant type: single nucleotide variant.
Coding change: c.214C>A on transcript NM_001232.4 (MANE Select); coding-DNA position 214, C replaced by A.
Protein change: p.Leu72Met; replaces leucine 72 with methionine.
Molecular consequence: missense variant.
Genome position (GRCh38, 1-based): chr1:115,768,328, G>T on the plus strand (C>A on the coding strand, the complement: CASQ2 is on the minus strand). VCF-style: chr1-115768328-G-T. GRCh37 (hg19) VCF-style: chr1-116310949-G-T.
Other names: short protein forms L72M.
Identifiers: ClinVar variation 4760887 (VCV004760887.1).
Genomic context (GRCh38, chr1:115,768,328, plus strand): 5'-CACTGAGGCAGCGCAGACAGCATGCCCTTTGGTTACTTACCTCAAGCACGATTTCTTTCA[G>T]TTGGAACTGTTTTTGCGTGACCTTATCTGAAGACACCGGCTCATGGTAGTAGAGGCAAAG-3'
Protein context (NP_001223.2, residues 62-82): SDKVTQKQFQ[Leu72Met]KEIVLELVAQ